The following is an entry in ClinVar:

ClinVar aggregate classification (germline): Uncertain significance. Review status: criteria provided, multiple submitters, no conflicts (2 of 4 stars). 2 submissions from 2 submitters: Uncertain significance (2). Last evaluated 2023-05-08.

Conditions:
RYR1-related disorder. Also called: RYR1-related condition; RYR1-related disorders. Identifiers: MedGen CN239331.
Malignant hyperthermia, susceptibility to, 1 (MHS1). Also called: Anesthesia related hyperthermia; Malignant hyperpyrexia; Fulminating hyperpyrexia; Pharmacogenic myopathy; RYR1-Related Malignant Hyperthermia Susceptibility; Malignant hyperthermia suceptibility 1. Identifiers: Orphanet 423, MedGen C2930980, MONDO:0007783, OMIM 145600.

Allele frequency attached by ClinVar (database versions not stated): gnomAD exomes below 0.00001; gnomAD 0.00001; TOPMed 0.00002.
gnomAD v4.1: 6 of 1,613,260 alleles (0.00037%); highest among the groups gnomAD compares: African/African-American, 0.008%; no homozygotes.

Submissions (2):

All of Us Research Program, National Institutes of Health
Classification: Uncertain significance for Malignant hyperthermia, susceptibility to, 1. Last evaluated: 2023-05-08. Review status: criteria provided, single submitter. Criteria: ACMG Guidelines, 2015. Collection method: clinical testing. Allele origin: germline. Inheritance: Autosomal dominant inheritance. Observed: 1 variant allele, 1 heterozygote.
Comment: This study involves interpretation of variants in research participants for the purpose of population health screening. Participant phenotype was not available at the time of variant classification. Additional details can be found in publication PMID: 35346344, PMCID: PMC8962531

Labcorp Genetics (formerly Invitae), Labcorp
Classification: Uncertain significance for RYR1-related disorder. Last evaluated: 2022-10-30. Review status: criteria provided, single submitter. Criteria: Invitae Variant Classification Sherloc (09022015). Collection method: clinical testing. Allele origin: germline.
Comment: In summary, the available evidence is currently insufficient to determine the role of this variant in disease. Therefore, it has been classified as a Variant of Uncertain Significance. Algorithms developed to predict the effect of missense changes on protein structure and function (SIFT, PolyPhen-2, Align-GVGD) all suggest that this variant is likely to be tolerated. This variant has not been reported in the literature in individuals affected with RYR1-related conditions. This variant is present in population databases (no rsID available, gnomAD 0.01%). This sequence change replaces serine, which is neutral and polar, with proline, which is neutral and non-polar, at codon 4186 of the RYR1 protein (p.Ser4186Pro).

NM_000540.3(RYR1):c.12556T>C (p.Ser4186Pro)

Gene: RYR1 (ryanodine receptor 1; plus strand). Cytogenetic location: 19q13.2.
Variant type: single nucleotide variant.
Coding change: c.12556T>C on transcript NM_000540.3 (MANE Select); coding-DNA position 12556, T replaced by C.
Protein change: p.Ser4186Pro; replaces serine 4186 with proline.
Molecular consequence: missense variant.
Genome position (GRCh38, 1-based): chr19:38,561,386, T>C. VCF-style: chr19-38561386-T-C. GRCh37 (hg19) VCF-style: chr19-39052026-T-C.
Other names: c.12541T>C, p.Ser4181Pro (NM_001042723.2); short protein forms S4186P, S4181P.
Identifiers: ClinVar variation 2180093 (VCV002180093.3), dbSNP rs1188632749, ClinGen allele CA405669653.